The following is an entry in ClinVar:

ClinVar aggregate classification (germline): Uncertain significance. Review status: criteria provided, multiple submitters, no conflicts (2 of 4 stars). 3 submissions from 3 submitters: Uncertain significance (3). Last evaluated 2026-03-19.

Conditions:
Inborn genetic diseases. Identifiers: MedGen C0950123, MeSH D030342.
Neuronal ceroid lipofuscinosis 1 (CLN1). Also called: CEROID LIPOFUSCINOSIS, NEURONAL, 1, VARIABLE AGE AT ONSET; PPT1-Related Neuronal Ceroid-Lipofuscinosis. Identifiers: Orphanet 228329, MedGen C1850451, MONDO:0009744, OMIM 256730.

Allele frequency attached by ClinVar (database versions not stated): gnomAD exomes below 0.00001; ExAC 0.00001.
gnomAD v4.1: 5 of 1,614,096 alleles (0.00031%); highest among the groups gnomAD compares: South Asian, 0.0055%; no homozygotes.

Submissions (3):

Women's Health and Genetics/Laboratory Corporation of America, LabCorp
Classification: Uncertain significance. Last evaluated: 2026-03-19. Review status: criteria provided, single submitter. Criteria: LabCorp Variant Classification Summary - May 2015. Collection method: clinical testing. Allele origin: germline.
Comment: Variant summary: PPT1 c.328A>G (p.Asn110Asp) results in a conservative amino acid change in the encoded protein sequence. Algorithms developed to predict the effect of missense changes on protein structure and function are either unavailable or do not agree on the potential impact of this missense change. The variant allele was found at a frequency of 4e-06 in 251450 control chromosomes. The available data on variant occurrences in the general population are insufficient to allow any conclusion about variant significance. To our knowledge, no occurrence of c.328A>G in individuals affected with PPT1-related conditions and no experimental evidence demonstrating its impact on protein function have been reported. ClinVar contains an entry for this variant (Variation ID: 1525378). Based on the evidence outlined above, the variant was classified as uncertain significance.

Ambry Genetics
Classification: Uncertain significance for Inborn genetic diseases. Last evaluated: 2025-12-09. Review status: criteria provided, single submitter. Criteria: Ambry Variant Classification Scheme 2023. Collection method: clinical testing. Allele origin: germline.

Labcorp Genetics (formerly Invitae), Labcorp
Classification: Uncertain significance for Neuronal ceroid lipofuscinosis 1. Last evaluated: 2021-08-28. Review status: criteria provided, single submitter. Criteria: Invitae Variant Classification Sherloc (09022015). Collection method: clinical testing. Allele origin: germline.
Comment: This sequence change replaces asparagine with aspartic acid at codon 110 of the PPT1 protein (p.Asn110Asp). The asparagine residue is highly conserved and there is a small physicochemical difference between asparagine and aspartic acid. The frequency data for this variant in the population databases is considered unreliable, as metrics indicate poor data quality at this position in the ExAC database. This variant has not been reported in the literature in individuals affected with PPT1-related conditions. Algorithms developed to predict the effect of missense changes on protein structure and function are either unavailable or do not agree on the potential impact of this missense change (SIFT: "Tolerated"; PolyPhen-2: "Probably Damaging"; Align-GVGD: "Class C0"). In summary, the available evidence is currently insufficient to determine the role of this variant in disease. Therefore, it has been classified as a Variant of Uncertain Significance.

NM_000310.4(PPT1):c.328A>G (p.Asn110Asp)

Gene: PPT1 (palmitoyl-protein thioesterase 1; minus strand). Cytogenetic location: 1p34.2.
Variant type: single nucleotide variant.
Coding change: c.328A>G on transcript NM_000310.4 (MANE Select); coding-DNA position 328, A replaced by G.
Protein change: p.Asn110Asp; replaces asparagine 110 with aspartic acid.
Molecular consequence: missense variant. On other transcripts: intron variant (1).
Genome position (GRCh38, 1-based): chr1:40,092,079, T>C on the plus strand (A>G on the coding strand, the complement: PPT1 is on the minus strand). VCF-style: chr1-40092079-T-C. GRCh37 (hg19) VCF-style: chr1-40557751-T-C.
Other names: c.328A>G, p.Asn110Asp (NM_001363695.2); c.125-2567A>G (NM_001142604.2); c.328A>G (NM_000310.3); short protein forms N110D.
Identifiers: ClinVar variation 1525378 (VCV001525378.7), dbSNP rs776026842, ClinGen allele CA789748.